The following is an entry in ClinVar:

ClinVar aggregate classification (germline): Pathogenic. Review status: criteria provided, multiple submitters, no conflicts (2 of 4 stars). 3 submissions from 3 submitters: Pathogenic (2). 1 of the submissions does not count toward it. Last evaluated 2025-03-24.

Conditions:
CFTR-related disorder (CFTR-RD). Also called: CFTR-related disorders; CFTR-related condition. Identifiers: MedGen C5924204, MONDO:7770004.
Cystic fibrosis (CF). Also called: MUCOVISCIDOSIS. Identifiers: Orphanet 586, MedGen C0010674, MONDO:0009061, OMIM 219700. Disease mechanism: loss of function.

Submissions (3):

Natera, Inc.
Classification: Pathogenic for CFTR-related disorders. Last evaluated: 2025-03-24. Review status: criteria provided, single submitter. Criteria: Natera Variant Classification Schema (03/2026). Collection method: clinical testing. Allele origin: germline.
Comment: The c.2156T>A variant in CFTR is a nonsense variant predicted to introduce a stop codon at amino acid 719. This variant is expected to result in nonsense mediated decay, truncation, or a dysfunctional protein product. This variant is rare in the general population with a frequency below the threshold expected for the associated phenotype(s). This variant has been observed in one or more individuals affected with the associated recessive disease, as either homozygous or compound heterozygous with a second variant (PMID: 7525450). Given the available evidence, this variant is classified as Pathogenic.

Labcorp Genetics (formerly Invitae), Labcorp
Classification: Pathogenic for Cystic fibrosis. Last evaluated: 2023-08-10. Review status: criteria provided, single submitter. Criteria: Invitae Variant Classification Sherloc (09022015). Collection method: clinical testing. Allele origin: germline.
Comment: This sequence change creates a premature translational stop signal (p.Leu719*) in the CFTR gene. It is expected to result in an absent or disrupted protein product. Loss-of-function variants in CFTR are known to be pathogenic (PMID: 1695717, 7691345, 9725922). For these reasons, this variant has been classified as Pathogenic. ClinVar contains an entry for this variant (Variation ID: 53444). This premature translational stop signal has been observed in individual(s) with cystic fibrosis (PMID: 7525450). This variant is not present in population databases (gnomAD no frequency).

ClinVar Staff, National Center for Biotechnology Information (NCBI)
No classification provided. Condition: CFTR-related disorders. Review status: no classification provided. Collection method: literature only. Allele origin: germline. Affected: yes. Not counted in ClinVar's aggregate classification.

Literature cited by the submitters: PubMed 7525450 (cited by 3 submitters); PubMed 1695717 (cited by Labcorp Genetics (formerly Invitae), Labcorp); PubMed 7691345 (cited by Labcorp Genetics (formerly Invitae), Labcorp); PubMed 9725922 (cited by Labcorp Genetics (formerly Invitae), Labcorp).

NM_000492.4(CFTR):c.2156T>A (p.Leu719Ter)

Gene: CFTR (CF transmembrane conductance regulator; plus strand). Cytogenetic location: 7q31.2.
Variant type: single nucleotide variant.
Coding change: c.2156T>A on transcript NM_000492.4 (MANE Select); coding-DNA position 2156, T replaced by A.
Protein change: p.Leu719Ter; replaces leucine 719 with a stop codon.
Molecular consequence: nonsense.
Genome position (GRCh38, 1-based): chr7:117,592,323, T>A. VCF-style: chr7-117592323-T-A. GRCh37 (hg19) VCF-style: chr7-117232377-T-A.
Other names: short protein forms L719*.
Identifiers: ClinVar variation 53444 (VCV000053444.5), dbSNP rs397508345, ClinGen allele CA326754.